The following is an entry in ClinVar:

NM_018139.3(DNAAF2):c.1719A>G (p.Gln573=)

Gene: DNAAF2 (dynein axonemal assembly factor 2; minus strand). Cytogenetic location: 14q21.3.
Variant type: single nucleotide variant.
Coding change: c.1719A>G on transcript NM_018139.3 (MANE Select); coding-DNA position 1719, A replaced by G.
Protein change: p.Gln573=; no amino-acid change (glutamine 573 retained).
Molecular consequence: synonymous variant. On other transcripts: intron variant (1).
Genome position (GRCh38, 1-based): chr14:49,633,431, T>C on the plus strand (A>G on the coding strand, the complement: DNAAF2 is on the minus strand). VCF-style: chr14-49633431-T-C. GRCh37 (hg19) VCF-style: chr14-50100149-T-C.
Other names: c.1719A>G, p.Gln573= (NM_001083908.2); c.-205+52A>G (NM_001378453.1).
Identifiers: ClinVar variation 880869 (VCV000880869.10), dbSNP rs370699646, ClinGen allele CA7172841.

ClinVar aggregate classification (germline): Uncertain significance. Review status: criteria provided, multiple submitters, no conflicts (2 of 4 stars). 2 submissions from 2 submitters: Uncertain significance (2). Last evaluated 2023-02-17.

Conditions:
Primary ciliary dyskinesia. Also called: Ciliary dyskinesia. Identifiers: Orphanet 244, MedGen C0008780, MONDO:0016575, HP:0012265.
Primary ciliary dyskinesia 10. Also called: CILIARY DYSKINESIA, PRIMARY, 10, WITH OR WITHOUT SITUS INVERSUS. Identifiers: Orphanet 244, MedGen C2675867, MONDO:0012918, OMIM 612518.

Allele frequency attached by ClinVar (database versions not stated): ExAC 0.00002; gnomAD exomes 0.00003 and 0.00004; gnomAD 0.00007; ESP Exome Variant Server 0.00008; TOPMed 0.00008.

Submissions (2):

Labcorp Genetics (formerly Invitae), Labcorp
Classification: Uncertain significance for Primary ciliary dyskinesia. Last evaluated: 2023-02-17. Review status: criteria provided, single submitter. Criteria: Invitae Variant Classification Sherloc (09022015). Collection method: clinical testing. Allele origin: germline.
Comment: In summary, the available evidence is currently insufficient to determine the role of this variant in disease. Therefore, it has been classified as a Variant of Uncertain Significance. Algorithms developed to predict the effect of sequence changes on RNA splicing suggest that this variant may create or strengthen a splice site. This sequence change affects codon 573 of the DNAAF2 mRNA. It is a 'silent' change, meaning that it does not change the encoded amino acid sequence of the DNAAF2 protein. This variant is present in population databases (rs370699646, gnomAD 0.01%). This variant has been observed in individual(s) with clinical features of primary ciliary dyskinesia (Invitae). ClinVar contains an entry for this variant (Variation ID: 880869).

Illumina Laboratory Services, Illumina
Classification: Uncertain significance for Primary ciliary dyskinesia 10. Last evaluated: 2018-01-12. Review status: criteria provided, single submitter. Criteria: ICSL Variant Classification Criteria 13 December 2019. Collection method: clinical testing. Allele origin: germline.